The following is an entry in ClinVar:

NM_198506.5(LRIT3):c.1912A>G (p.Ser638Gly)

Gene: LRIT3 (leucine rich repeat, Ig-like and transmembrane domains 3; plus strand). Cytogenetic location: 4q25.
Variant type: single nucleotide variant.
Coding change: c.1912A>G on transcript NM_198506.5 (MANE Select); coding-DNA position 1912, A replaced by G.
Protein change: p.Ser638Gly; replaces serine 638 with glycine.
Molecular consequence: missense variant.
Genome position (GRCh38, 1-based): chr4:109,870,661, A>G. VCF-style: chr4-109870661-A-G. GRCh37 (hg19) VCF-style: chr4-110791817-A-G.
Other names: short protein forms S638G.
Identifiers: ClinVar variation 856360 (VCV000856360.8), dbSNP rs1734813121, ClinGen allele CA357873117.

ClinVar aggregate classification (germline): Uncertain significance (1 of 4 stars; one submission).

Allele frequency attached by ClinVar (database versions not stated): gnomAD exomes below 0.00001.
gnomAD v4.1: 3 of 1,614,138 alleles (0.00019%); highest among the groups gnomAD compares: Non-Finnish European, 0.00025%; no homozygotes.

Submission:

Labcorp Genetics (formerly Invitae), Labcorp
Classification: Uncertain significance. Last evaluated: 2022-02-05. Review status: criteria provided, single submitter. Criteria: Invitae Variant Classification Sherloc (09022015). Collection method: clinical testing. Allele origin: germline.
Comment: In summary, the available evidence is currently insufficient to determine the role of this variant in disease. Therefore, it has been classified as a Variant of Uncertain Significance. Algorithms developed to predict the effect of sequence changes on RNA splicing suggest that this variant may create or strengthen a splice site. Algorithms developed to predict the effect of missense changes on protein structure and function are either unavailable or do not agree on the potential impact of this missense change (SIFT: "Tolerated"; PolyPhen-2: "Possibly Damaging"; Align-GVGD: "Class C0"). ClinVar contains an entry for this variant (Variation ID: 856360). This variant has not been reported in the literature in individuals affected with LRIT3-related conditions. This variant is not present in population databases (gnomAD no frequency). This sequence change replaces serine, which is neutral and polar, with glycine, which is neutral and non-polar, at codon 638 of the LRIT3 protein (p.Ser638Gly).